The following is an entry in ClinVar:

NM_001080432.3(FTO):c.995A>C (p.Asp332Ala)

Gene: FTO (FTO alpha-ketoglutarate dependent dioxygenase; plus strand). Cytogenetic location: 16q12.2.
Variant type: single nucleotide variant.
Coding change: c.995A>C on transcript NM_001080432.3 (MANE Select); coding-DNA position 995, A replaced by C.
Protein change: p.Asp332Ala; replaces aspartic acid 332 with alanine.
Molecular consequence: missense variant. On other transcripts: intron variant (2).
Genome position (GRCh38, 1-based): chr16:53,879,863, A>C. VCF-style: chr16-53879863-A-C. GRCh37 (hg19) VCF-style: chr16-53913775-A-C.
Other names: c.1025A>C, p.Asp342Ala (NM_001363891.2); c.995A>C, p.Asp332Ala (NM_001363894.2, NM_001363896.2, NM_001363903.2 and 4 more transcripts); c.917A>C, p.Asp306Ala (NM_001363897.2); c.881A>C, p.Asp294Ala (NM_001363899.2); c.851A>C, p.Asp284Ala (NM_001363901.2); c.482A>C, p.Asp161Ala (NM_001363905.2); c.1005+5998A>C (NM_001363898.2); c.975+5998A>C (NM_001363900.2); short protein forms D332A, D161A, D284A, D294A, D306A, D342A.
Identifiers: ClinVar variation 1943079 (VCV001943079.5), dbSNP rs201510895, ClinGen allele CA396120430.

ClinVar aggregate classification (germline): Uncertain significance (1 of 4 stars; one submission).

Submission:

Labcorp Genetics (formerly Invitae), Labcorp
Classification: Uncertain significance. Last evaluated: 2022-03-11. Review status: criteria provided, single submitter. Criteria: Invitae Variant Classification Sherloc (09022015). Collection method: clinical testing. Allele origin: germline.
Comment: In summary, the available evidence is currently insufficient to determine the role of this variant in disease. Therefore, it has been classified as a Variant of Uncertain Significance. Algorithms developed to predict the effect of missense changes on protein structure and function are either unavailable or do not agree on the potential impact of this missense change (SIFT: "Tolerated"; PolyPhen-2: "Possibly Damaging"; Align-GVGD: "Class C0"). This variant has not been reported in the literature in individuals affected with FTO-related conditions. This variant is not present in population databases (gnomAD no frequency). This sequence change replaces aspartic acid, which is acidic and polar, with alanine, which is neutral and non-polar, at codon 332 of the FTO protein (p.Asp332Ala).